The following is an entry in ClinVar:

NM_001042492.3(NF1):c.8179T>C (p.Tyr2727His)

Gene: NF1 (neurofibromin 1; plus strand). Cytogenetic location: 17q11.2.
Variant type: single nucleotide variant.
Coding change: c.8179T>C on transcript NM_001042492.3 (MANE Select); coding-DNA position 8179, T replaced by C.
Protein change: p.Tyr2727His; replaces tyrosine 2727 with histidine.
Molecular consequence: missense variant.
Genome position (GRCh38, 1-based): chr17:31,360,505, T>C. VCF-style: chr17-31360505-T-C. GRCh37 (hg19) VCF-style: chr17-29687523-T-C.
Other names: c.8116T>C, p.Tyr2706His (NM_000267.4); short protein forms Y2706H, Y2727H.
Identifiers: ClinVar variation 233082 (VCV000233082.11), dbSNP rs876660178, ClinGen allele CA10580432.
Genomic context (GRCh38, chr17:31,360,505, plus strand): 5'-TAAAAAAAAGGAACTAAAATAATTTCCTATTTTCCATTACAGCAAACACAAATTCCAGAC[T>C]ATGCTGAGCTTATTGTTAAGTTTCTTGATGCCTTGATTGACACGTACCTGCCTGGAATTG-3'
Protein context (NP_001035957.1, residues 2717-2737): PFSKQTQIPD[Tyr2727His]AELIVKFLDA

ClinVar aggregate classification (germline): Uncertain significance. Review status: criteria provided, multiple submitters, no conflicts (2 of 4 stars). 3 submissions from 3 submitters: Uncertain significance (3). Last evaluated 2022-03-15.

Conditions:
Hereditary cancer-predisposing syndrome. Also called: Hereditary Cancer Syndrome; Neoplastic Syndromes, Hereditary; Tumor predisposition; Hereditary neoplastic syndrome. Identifiers: Orphanet 140162, MedGen C0027672, MeSH D009386, MONDO:0015356.
Neurofibromatosis, type 1 (NF1). Also called: Neurofibromatosis, type I; VON RECKLINGHAUSEN DISEASE; NEUROFIBROMATOSIS, TYPE I, SOMATIC; Peripheral type neurofibromatosis. Identifiers: Orphanet 636, MedGen C0027831, MONDO:0018975, OMIM 162200. Disease mechanism: loss of function.

Submissions (3):

Genome-Nilou Lab
Classification: Uncertain significance for Neurofibromatosis, type 1. Last evaluated: 2022-03-15. Review status: criteria provided, single submitter. Criteria: ACMG Guidelines, 2015. Collection method: clinical testing. Allele origin: germline. Affected: no.

Labcorp Genetics (formerly Invitae), Labcorp
Classification: Uncertain significance for Neurofibromatosis, type 1. Last evaluated: 2021-11-23. Review status: criteria provided, single submitter. Criteria: Invitae Variant Classification Sherloc (09022015). Collection method: clinical testing. Allele origin: germline.
Comment: In summary, the available evidence is currently insufficient to determine the role of this variant in disease. Therefore, it has been classified as a Variant of Uncertain Significance. Advanced modeling of protein sequence and biophysical properties (such as structural, functional, and spatial information, amino acid conservation, physicochemical variation, residue mobility, and thermodynamic stability) performed at Invitae indicates that this missense variant is not expected to disrupt NF1 protein function. ClinVar contains an entry for this variant (Variation ID: 233082). This variant has not been reported in the literature in individuals affected with NF1-related conditions. This variant is not present in population databases (gnomAD no frequency). This sequence change replaces tyrosine, which is neutral and polar, with histidine, which is basic and polar, at codon 2706 of the NF1 protein (p.Tyr2706His).

Ambry Genetics
Classification: Uncertain significance for Hereditary cancer-predisposing syndrome. Last evaluated: 2015-07-23. Review status: criteria provided, single submitter. Criteria: Ambry Autosomal Dominant and X-Linked criteria (10/2015). Collection method: clinical testing. Allele origin: germline. Observed: 1 variant allele.
Comment: The p.Y2727H variant (also known as c.8179T>C), located in coding exon 57 of the NF1 gene, results from a T to C substitution at nucleotide position 8179. The tyrosine at codon 2727 is replaced by histidine, an amino acid with similar properties. This variant was not reported in population based cohorts in the following databases: Database of Single Nucleotide Polymorphisms (dbSNP), NHLBI Exome Sequencing Project (ESP), and 1000 Genomes Project. In the ESP, this variant was not observed in 6503 samples (13006 alleles) with coverage at this position. To date, this alteration has been detected with an allele frequency of approximately 0.002% (greater than 55000 alleles tested) in our clinical cohort.This amino acid position is highly conserved in available vertebrate species. In addition, the in silico prediction for this alteration is inconclusive.Since supporting evidence is limited at this time, the clinical significance of this variant remains unclear.